The following is an entry in ClinVar:

ClinVar aggregate classification (germline): Uncertain significance (1 of 4 stars; one submission).

Conditions:
Intellectual developmental disorder with seizures and language delay (IDDSELD). Identifiers: MedGen C5436574, MONDO:0033559, OMIM 619000.

Allele frequency attached by ClinVar (database versions not stated): gnomAD 0.00001.
gnomAD v4.1: 12 of 1,551,358 alleles (0.00077%); highest among the groups gnomAD compares: South Asian, 0.0048%; no homozygotes.

Submission:

Victorian Clinical Genetics Services, Murdoch Childrens Research Institute
Classification: Uncertain significance for Intellectual developmental disorder with seizures and language delay. Last evaluated: 2022-09-02. Review status: criteria provided, single submitter. Criteria: ACMG Guidelines, 2015. Collection method: clinical testing. Allele origin: germline. Inheritance: Autosomal dominant inheritance. Affected: yes.
Comment: Based on the classification scheme VCGS_Germline_v1.3.4, this variant is classified as VUS-3C. Following criteria are met: 0102 - Loss of function is a known mechanism of disease in this gene and is associated with intellectual developmental disorder with seizures and language delay (MIM#619000). (I) 0107 - This gene is associated with autosomal dominant disease. (I) 0200 - Variant is predicted to result in a missense amino acid change from arginine to tryptophan. (I) 0251 - This variant is heterozygous. (I) 0302 - Variant is present in gnomAD <0.001 for a dominant condition (v3: 2 heterozygotes, 0 homozygotes). (SP) 0309 - An alternative amino acid change at the same position has been observed in gnomAD (v3: 7 heterozygotes, 0 homozygotes). (I) 0501 - Missense variant consistently predicted to be damaging by multiple in silico tools or highly conserved with a major amino acid change. (SP) 0604 - Variant is not located in an established domain, motif, hotspot or informative constraint region. (I) 0710 - Another missense variant comparable to the one identified in this case has inconclusive previous evidence for pathogenicity. p.(Arg1670Gln) has been classified as a VUS in ClinVar. (I) 0807 - This variant has no previous evidence of pathogenicity. (I) 0905 - No published segregation evidence has been identified for this variant. (I) 1007 - No published functional evidence has been identified for this variant. (I) 1208 - Inheritance information for this variant is not currently available in this individual. (I) Legend: (SP) - Supporting pathogenic, (I) - Information, (SB) - Supporting benign

NM_001353345.2(SETD1B):c.5008C>T (p.Arg1670Trp)

Gene: SETD1B (SET domain containing 1B, histone lysine methyltransferase; plus strand). Cytogenetic location: 12q24.31.
Variant type: single nucleotide variant.
Coding change: c.5008C>T on transcript NM_001353345.2 (MANE Select); coding-DNA position 5008, C replaced by T.
Protein change: p.Arg1670Trp; replaces arginine 1670 with tryptophan.
Molecular consequence: missense variant.
Genome position (GRCh38, 1-based): chr12:121,823,587, C>T. VCF-style: chr12-121823587-C-T. GRCh37 (hg19) VCF-style: chr12-122261493-C-T.
Other names: short protein forms R1670W.
Identifiers: ClinVar variation 1805935 (VCV001805935.1), dbSNP rs1242908100, ClinGen allele CA387000378.